The following is an entry in ClinVar:

ClinVar aggregate classification (germline): Uncertain significance (1 of 4 stars; one submission).

Conditions:
Bardet-Biedl syndrome (BBS). Identifiers: Orphanet 110, MedGen C0752166, MONDO:0015229.

Submission:

Labcorp Genetics (formerly Invitae), Labcorp
Classification: Uncertain significance for Bardet-Biedl syndrome. Last evaluated: 2020-12-19. Review status: criteria provided, single submitter. Criteria: Invitae Variant Classification Sherloc (09022015). Collection method: clinical testing. Allele origin: germline.
Comment: In summary, the available evidence is currently insufficient to determine the role of this variant in disease. Therefore, it has been classified as a Variant of Uncertain Significance. Nucleotide substitutions within the consensus splice site are a relatively common cause of aberrant splicing (PMID: 17576681, 9536098). Algorithms developed to predict the effect of sequence changes on RNA splicing suggest that this variant may disrupt the consensus splice site, but this prediction has not been confirmed by published transcriptional studies. This variant has not been reported in the literature in individuals with BBS5-related conditions. This variant is not present in population databases (ExAC no frequency). This sequence change falls in intron 2 of the BBS5 gene. It does not directly change the encoded amino acid sequence of the BBS5 protein. It affects a nucleotide within the consensus splice site of the intron.

Literature cited by the submitters: PubMed 17576681; PubMed 9536098.

NM_152384.3(BBS5):c.142+3G>T

Gene: BBS5 (Bardet-Biedl syndrome 5; plus strand). Cytogenetic location: 2q31.1.
Variant type: single nucleotide variant.
Coding change: c.142+3G>T on transcript NM_152384.3 (MANE Select); 3 bases into the intron after coding-DNA position 142, G replaced by T.
Molecular consequence: intron variant.
Genome position (GRCh38, 1-based): chr2:169,482,336, G>T. VCF-style: chr2-169482336-G-T. GRCh37 (hg19) VCF-style: chr2-170338846-G-T.
Identifiers: ClinVar variation 1479581 (VCV001479581.6), dbSNP rs2105291754, ClinGen allele CA2573133671.